The following is an entry in ClinVar:

NM_001754.5(RUNX1):c.1270T>C (p.Ser424Pro)

Gene: RUNX1 (RUNX family transcription factor 1; minus strand). Cytogenetic location: 21q22.12.
Variant type: single nucleotide variant.
Coding change: c.1270T>C on transcript NM_001754.5 (MANE Select); coding-DNA position 1270, T replaced by C.
Protein change: p.Ser424Pro; replaces serine 424 with proline.
Molecular consequence: missense variant.
Genome position (GRCh38, 1-based): chr21:34,792,308, A>G on the plus strand (T>C on the coding strand, the complement: RUNX1 is on the minus strand). VCF-style: chr21-34792308-A-G. GRCh37 (hg19) VCF-style: chr21-36164605-A-G.
Other names: NM_001754.5(RUNX1):c.1270T>C; p.Ser424Pro; c.1189T>C, p.Ser397Pro (NM_001001890.3); short protein forms S424P, S397P.
Identifiers: ClinVar variation 970259 (VCV000970259.17), dbSNP rs2056451534, ClinGen allele CA410147564.

ClinVar aggregate classification (germline): Uncertain significance. Review status: reviewed by expert panel (3 of 4 stars). 7 submissions from 7 submitters: Uncertain significance (1). 6 of the submissions do not count toward it. Last evaluated 2024-11-13.

Conditions:
Hereditary thrombocytopenia and hematologic cancer predisposition syndrome. Identifiers: Orphanet 71290, MedGen CN281654, MONDO:0011071.
Hereditary thrombocytopenia and hematological cancer predisposition syndrome associated with RUNX1. Also called: Familial Platelet Disorder with Propensity to Acute Myelogenous Leukemia; Familial thrombocytopenia with propensity to acute myelogenous leukemia; RUNX1 Familial Platelet Disorder with Associated Myeloid Malignancies; PLATELET DISORDER, ASPIRIN-LIKE. Identifiers: Orphanet 71290, MedGen C1832388, MeSH C563324, MONDO:0100083, OMIM 601399.
Hereditary cancer-predisposing syndrome. Also called: Tumor predisposition; Hereditary Cancer Syndrome; Neoplastic Syndromes, Hereditary; Hereditary neoplastic syndrome. Identifiers: Orphanet 140162, MedGen C0027672, MeSH D009386, MONDO:0015356.
Thrombocytopenia. Identifiers: MedGen C0040034, MeSH D013921, MONDO:0002049, HP:0001873.
Abnormal bleeding. Also called: Bleeding diathesis. Identifiers: MedGen C1458140, HP:0001892.

Allele frequency attached by ClinVar (database versions not stated): 1000 Genomes Project 30x 0.00765.

Submissions (7):

ClinGen Myeloid Malignancy Variant Curation Expert Panel
Classification: Uncertain significance for Hereditary thrombocytopenia and hematologic cancer predisposition syndrome. Last evaluated: 2024-11-13. Review status: reviewed by expert panel. Criteria: ClinGen MyeloMalig ACMG Specifications v2. Collection method: curation. Allele origin: germline. Inheritance: Autosomal dominant inheritance.
Comment: NM_001754.5(RUNX1):c.1270T>C (p.Ser424Pro) is a missense variant predicted to cause the substitution of serine by proline at amino acid 424 (p.S424P). This variant is absent from gnomAD v2, but in gnomAD v3, the highest population minor allele frequency is 0.07016% (4/4276 alleles) in the East Asian population, and in gnomAD v4, it is 2.641% (624/23626 alleles) in the East Asian population. Both frequencies are higher than the overall allele frequency of all disease-causing alleles derived by the ClinGen Myeloid Malignancy-VCEP. However, genomes failed a quality filter (AS_VQSR) in gnomAD v3 and v4, allele balance is heavily skewed, and site quality seems lower compared to some common, known pathogenic variants (BA1 not met). Another patient reportedly with hereditary thrombocytopenia and hematological cancer predisposition associated with RUNX1 carried this variant in the germline, but an unspecified number of affected relatives in the family were negative (ClinVar Accession: SCV002515682.3). The variant has also been reported in patients with AML (PMID: 36900179), MDS (PMID: 36932114), and other tumors (PMID: 30239046; PMID: 30246500; PMID: 32943879; PMID: 35626111; PMID: 37160887; PMID: 37994105), though the variant allele fraction mostly suggests somatic origin or artifact (unconfirmed). No relevant functional data are available for this specific missense variant, but in vitro studies have demonstrated that Ser424 is a phosphorylation target of CDK/Cyclin complexes (PMID: 18003885). The computational predictor REVEL gives a score of 0.465, which is below the threshold of 0.50, and the splice site predictor SpliceAI indicates that the variant has no impact on splicing, suggesting it does not predict a damaging effect on RUNX1 function (BP4). In summary, this variant meets the criteria to be classified as a variant of uncertain significance (VUS) for autosomal dominant hereditary thrombocytopenia and hematologic cancer predisposition syndrome. ACMG/AMP criteria applied, as specified by the ClinGen Myeloid Malignancy VCEP: BP4.

ISTH-SSC Genomics in Thrombosis and Hemostasis, KU Leuven, Center for Molecular and Vascular Biology
Classification: Benign for Hereditary thrombocytopenia and hematological cancer predisposition syndrome associated with RUNX1. Last evaluated: 2023-07-04. Review status: criteria provided, single submitter. Criteria: ACMG Guidelines, 2015. Collection method: clinical testing. Allele origin: germline. Inheritance: Autosomal dominant inheritance. Affected: yes. Observed: 1 heterozygote. Not counted in ClinVar's aggregate classification.
Comment: Submitted to GoldVariant by Jose María Bastida and José Rivera; Grupo Español de Alteraciones Plaquetarias Congénitas (GEAPC)

Genetic Services Laboratory, University of Chicago
Classification: Uncertain significance. Last evaluated: 2022-01-04. Review status: criteria provided, single submitter. Criteria: ACMG Guidelines, 2015. Collection method: clinical testing. Allele origin: germline. Affected: no. Not counted in ClinVar's aggregate classification.

Labcorp Genetics (formerly Invitae), Labcorp
Classification: Uncertain significance for Hereditary thrombocytopenia and hematological cancer predisposition syndrome associated with RUNX1. Last evaluated: 2021-11-19. Review status: criteria provided, single submitter. Criteria: Invitae Variant Classification Sherloc (09022015). Collection method: clinical testing. Allele origin: germline. Not counted in ClinVar's aggregate classification.
Comment: In summary, the available evidence is currently insufficient to determine the role of this variant in disease. Therefore, it has been classified as a Variant of Uncertain Significance. Algorithms developed to predict the effect of missense changes on protein structure and function are either unavailable or do not agree on the potential impact of this missense change (SIFT: "Tolerated"; PolyPhen-2: "Possibly Damaging"; Align-GVGD: "Class C0"). ClinVar contains an entry for this variant (Variation ID: 970259). This missense change has been observed in individual(s) with thrombocytopenia (PMID: 32935436). This variant is not present in population databases (gnomAD no frequency). This sequence change replaces serine, which is neutral and polar, with proline, which is neutral and non-polar, at codon 424 of the RUNX1 protein (p.Ser424Pro).

Sema4
Classification: Uncertain significance for Hereditary cancer-predisposing syndrome. Last evaluated: 2021-11-09. Review status: criteria provided, single submitter. Criteria: Sema4 Curation Guidelines. Collection method: curation. Allele origin: germline. Not counted in ClinVar's aggregate classification.
Comment: The RUNX1 c.1270T>C (p.S424P) variant has been reported in an individual with inherited bleeding disorder however, the patient also carried a rare deletion on chromosome 11q24.3 covering 31 genes including FLI1 which is more likely to explain the disease (PMID: 32935436). It was not observed in the large and broad cohorts of the Genome Aggregation Database (PMID: 32461654). The variant has been reported in ClinVar (Variation ID 970259). In silico tools suggest the impact of the variant on protein function is inconclusive though these predictions have not been confirmed by functional studies. The evidence is insufficient to meet ACMG/AMP criteria for classifying the variant as benign or pathogenic. Thus, the clinical significance of this variant is currently uncertain.

Breakthrough Genomics
Classification: Uncertain significance. Review status: criteria provided, single submitter. Criteria: ACMG Guidelines, 2015. Collection method: not provided. Allele origin: germline. Inheritance: Autosomal dominant inheritance. Affected: yes. Not counted in ClinVar's aggregate classification.

Birmingham Platelet Group; University of Birmingham
Classification: Likely pathogenic for Thrombocytopenia; Abnormal bleeding. Last evaluated: 2020-05-01. Review status: no assertion criteria provided. Collection method: research. Allele origin: germline. Affected: yes. Not counted in ClinVar's aggregate classification.

Literature cited by the submitters: PubMed 32935436 (cited by Labcorp Genetics (formerly Invitae), Labcorp and Sema4).